The following is an entry in ClinVar:

NM_002230.4(JUP):c.886G>T (p.Ala296Ser)

Gene: JUP (junction plakoglobin; minus strand). Cytogenetic location: 17q21.2.
Variant type: single nucleotide variant.
Coding change: c.886G>T on transcript NM_002230.4 (MANE Select); coding-DNA position 886, G replaced by T.
Protein change: p.Ala296Ser; replaces alanine 296 with serine.
Molecular consequence: missense variant.
Genome position (GRCh38, 1-based): chr17:41,767,402, C>A on the plus strand (G>T on the coding strand, the complement: JUP is on the minus strand). VCF-style: chr17-41767402-C-A. GRCh37 (hg19) VCF-style: chr17-39923654-C-A.
Other names: c.886G>T, p.Ala296Ser (NM_001352773.2, NM_001352774.2, NM_001352775.2 and 3 more transcripts); short protein forms A296S.
Identifiers: ClinVar variation 2174035 (VCV002174035.5), dbSNP rs970432981, ClinGen allele CA290700000.

ClinVar aggregate classification (germline): Uncertain significance. Review status: criteria provided, multiple submitters, no conflicts (2 of 4 stars). 2 submissions from 2 submitters: Uncertain significance (2). Last evaluated 2023-11-14.

Conditions:
Naxos disease (NXD). Also called: WOOLLY HAIR, PALMOPLANTAR KERATODERMA, AND CARDIAC ABNORMALITIES; CARDIOMYOPATHY, ARRHYTHMOGENIC RIGHT VENTRICULAR, WITH SKIN, HAIR, AND NAIL ABNORMALITIES; KERATOSIS PALMOPLANTARIS WITH ARRHYTHMOGENIC CARDIOMYOPATHY; MAL DE NAXOS; PALMOPLANTAR KERATODERMA WITH ARRHYTHMOGENIC RIGHT VENTRICULAR CARDIOMYOPATHY AND WOOLLY HAIR. Identifiers: Orphanet 34217, MedGen C1832600, MONDO:0011017, OMIM 601214.
Arrhythmogenic right ventricular dysplasia 12. Also called: ARRHYTHMOGENIC RIGHT VENTRICULAR DYSPLASIA, FAMILIAL, 12. Identifiers: MedGen C1969081, MONDO:0012684, OMIM 611528.

Allele frequency attached by ClinVar (database versions not stated): gnomAD exomes 0.00002.
gnomAD v4.1: 36 of 1,614,148 alleles (0.0022%); highest among the groups gnomAD compares: Non-Finnish European, 0.003%; no homozygotes.

Submissions (2):

Women's Health and Genetics/Laboratory Corporation of America, LabCorp
Classification: Uncertain significance. Last evaluated: 2023-11-14. Review status: criteria provided, single submitter. Criteria: LabCorp Variant Classification Summary - May 2015. Collection method: clinical testing. Allele origin: germline.

Labcorp Genetics (formerly Invitae), Labcorp
Classification: Uncertain significance for Arrhythmogenic right ventricular dysplasia 12; Naxos disease. Last evaluated: 2023-06-17. Review status: criteria provided, single submitter. Criteria: Invitae Variant Classification Sherloc (09022015). Collection method: clinical testing. Allele origin: germline.
Comment: In summary, the available evidence is currently insufficient to determine the role of this variant in disease. Therefore, it has been classified as a Variant of Uncertain Significance. An algorithm developed to predict the effect of missense changes on protein structure and function (PolyPhen-2) suggests that this variant is likely to be tolerated. ClinVar contains an entry for this variant (Variation ID: 2174035). This variant has not been reported in the literature in individuals affected with JUP-related conditions. This variant is present in population databases (no rsID available, gnomAD 0.0009%). This sequence change replaces alanine, which is neutral and non-polar, with serine, which is neutral and polar, at codon 296 of the JUP protein (p.Ala296Ser).